The following is an entry in ClinVar:

NM_002075.4(GNB3):c.640C>T (p.Arg214Ter)

Gene: GNB3 (G protein subunit beta 3; plus strand). Cytogenetic location: 12p13.31.
Variant type: single nucleotide variant.
Coding change: c.640C>T on transcript NM_002075.4 (MANE Select); coding-DNA position 640, C replaced by T.
Protein change: p.Arg214Ter; replaces arginine 214 with a stop codon.
Molecular consequence: nonsense.
Genome position (GRCh38, 1-based): chr12:6,843,919, C>T. VCF-style: chr12-6843919-C-T. GRCh37 (hg19) VCF-style: chr12-6953083-C-T.
Other names: c.637C>T, p.Arg213Ter (NM_001297571.2); short protein forms R214*, R213*.
Identifiers: ClinVar variation 1520343 (VCV001520343.6), dbSNP rs367934996, ClinGen allele CA6417603.
Genomic context (GRCh38, chr12:6,843,919, plus strand): 5'-CCTGACTTCAATCTCTTCATTTCGGGGGCCTGTGATGCCAGTGCCAAGCTCTGGGATGTG[C>T]GAGAGGGGACCTGCCGTCAGACTTTCACTGGCCACGAGTCGGACATCAACGCCATCTGTG-3'

ClinVar aggregate classification (germline): Uncertain significance (1 of 4 stars; one submission).

Allele frequency attached by ClinVar (database versions not stated): gnomAD exomes below 0.00001 and 0.00003; TOPMed below 0.00001; ExAC 0.00001; gnomAD 0.00001; ESP Exome Variant Server 0.00008.
gnomAD v4.1: 38 of 1,613,710 alleles (0.0024%); highest among the groups gnomAD compares: South Asian, 0.0044%; no homozygotes.

Submission:

Labcorp Genetics (formerly Invitae), Labcorp
Classification: Uncertain significance. Last evaluated: 2023-10-04. Review status: criteria provided, single submitter. Criteria: Invitae Variant Classification Sherloc (09022015). Collection method: clinical testing. Allele origin: germline.
Comment: This sequence change creates a premature translational stop signal (p.Arg214*) in the GNB3 gene. It is expected to result in an absent or disrupted protein product. However, the current clinical and genetic evidence is not sufficient to establish whether loss-of-function variants in GNB3 cause disease. This variant is present in population databases (rs367934996, gnomAD 0.007%). This variant has not been reported in the literature in individuals affected with GNB3-related conditions. ClinVar contains an entry for this variant (Variation ID: 1520343). In summary, the available evidence is currently insufficient to determine the role of this variant in disease. Therefore, it has been classified as a Variant of Uncertain Significance.